The following is an entry in ClinVar:

NM_025114.4(CEP290):c.468A>G (p.Glu156=)

Gene: CEP290 (centrosomal protein 290; minus strand). Cytogenetic location: 12q21.32.
Variant type: single nucleotide variant.
Coding change: c.468A>G on transcript NM_025114.4 (MANE Select); coding-DNA position 468, A replaced by G.
Protein change: p.Glu156=; no amino-acid change (glutamic acid 156 retained).
Molecular consequence: synonymous variant.
Genome position (GRCh38, 1-based): chr12:88,131,192, T>C on the plus strand (A>G on the coding strand, the complement: CEP290 is on the minus strand). VCF-style: chr12-88131192-T-C. GRCh37 (hg19) VCF-style: chr12-88524969-T-C.
Other names: c.468A>G (NM_025114.3).
Identifiers: ClinVar variation 1135985 (VCV001135985.11), dbSNP rs967600444, ClinGen allele CA241158399.

ClinVar aggregate classification (germline): Likely benign. Review status: criteria provided, multiple submitters, no conflicts (2 of 4 stars). 3 submissions from 3 submitters: Likely benign (3). Last evaluated 2025-09-16.

Conditions:
CEP290-related disorder. Also called: CEP290-related condition; CEP290-related disorders. Identifiers: MedGen CN239314.
Meckel-Gruber syndrome. Also called: DYSENCEPHALIA SPLANCHNOCYSTICA; Dysencephalia splachnocystica; GRUBER SYNDROME. Identifiers: Orphanet 564, MedGen C0265215, MONDO:0018921.
Joubert syndrome. Also called: Familial aplasia of the vermis; JOUBERT-BOLTSHAUSER SYNDROME. Identifiers: Orphanet 475, MedGen C5979921, MONDO:0018772.
Nephronophthisis. Also called: Juvenile Nephronophthisis. Identifiers: Orphanet 655, MedGen C0687120, MONDO:0019005, HP:0000090.

Allele frequency attached by ClinVar (database versions not stated): gnomAD exomes 0.00001.
gnomAD v4.1: 16 of 1,522,266 alleles (0.0011%); highest among the groups gnomAD compares: African/African-American, 0.0057%; 1 homozygote.

Submissions (3):

PreventionGenetics, part of Exact Sciences
Classification: Likely benign for CEP290-related condition. Last evaluated: 2025-09-16. Review status: criteria provided, single submitter. Criteria: ACMG Guidelines, 2015. Collection method: clinical testing. Allele origin: germline.
Comment: This variant is classified as likely benign based on ACMG/AMP sequence variant interpretation guidelines (Richards et al. 2015 PMID: 25741868, with internal and published modifications).

Labcorp Genetics (formerly Invitae), Labcorp
Classification: Likely benign for Joubert syndrome; Meckel-Gruber syndrome; Nephronophthisis. Last evaluated: 2025-01-27. Review status: criteria provided, single submitter. Criteria: Invitae Variant Classification Sherloc (09022015). Collection method: clinical testing. Allele origin: germline.

Blueprint Genetics
Classification: Likely benign. Last evaluated: 2022-11-24. Review status: criteria provided, single submitter. Criteria: ACMG Guidelines, 2015. Collection method: clinical testing. Allele origin: germline.